The following is an entry in ClinVar:

NM_001482.3(GATM):c.990C>G (p.Phe330Leu)

Gene: GATM (glycine amidinotransferase; minus strand). Cytogenetic location: 15q21.1.
Variant type: single nucleotide variant.
Coding change: c.990C>G on transcript NM_001482.3 (MANE Select); coding-DNA position 990, C replaced by G.
Protein change: p.Phe330Leu; replaces phenylalanine 330 with leucine.
Molecular consequence: missense variant.
Genome position (GRCh38, 1-based): chr15:45,364,849, G>C on the plus strand (C>G on the coding strand, the complement: GATM is on the minus strand). VCF-style: chr15-45364849-G-C. GRCh37 (hg19) VCF-style: chr15-45657047-G-C.
Other names: c.603C>G, p.Phe201Leu (NM_001321015.2); short protein forms F201L, F330L.
Identifiers: ClinVar variation 1476548 (VCV001476548.7), dbSNP rs770808654, ClinGen allele CA7542806.

ClinVar aggregate classification (germline): Uncertain significance. Review status: criteria provided, multiple submitters, no conflicts (2 of 4 stars). 2 submissions from 2 submitters: Uncertain significance (2). Last evaluated 2025-12-01.

Conditions:
Arginine:glycine amidinotransferase deficiency (CCDS3). Also called: L-Arginine:Glycine Amidinotransferase (AGAT) Deficiency; Creatine deficiency syndrome due to AGAT deficiency; GATM deficiency; Cerebral creatine deficiency syndrome 3; AGAT deficiency; L-Arginine:Glycine Amidinotransferase Deficiency. Identifiers: Orphanet 35704, MedGen C2675179, MONDO:0012996, OMIM 612718.
Fanconi renotubular syndrome 1. Also called: Toni-Debre-Fanconi syndrome; Neonatal De Toni-Debre-Fanconi syndrome; De Toni-Fanconi syndrome; FRTS1; LUDER-SHELDON SYNDROME. Identifiers: MedGen C4551503, MONDO:0024525, OMIM 134600.

Allele frequency attached by ClinVar (database versions not stated): ExAC 0.00001; gnomAD exomes 0.00001; gnomAD 0.00003 and 0.00004.

Submissions (2):

Labcorp Genetics (formerly Invitae), Labcorp
Classification: Uncertain significance for Arginine:glycine amidinotransferase deficiency. Last evaluated: 2025-12-01. Review status: criteria provided, single submitter. Criteria: Invitae Variant Classification Sherloc (09022015). Collection method: clinical testing. Allele origin: germline.
Comment: This sequence change replaces phenylalanine, which is neutral and non-polar, with leucine, which is neutral and non-polar, at codon 330 of the GATM protein (p.Phe330Leu). This variant is present in population databases (rs770808654, gnomAD 0.02%). This variant has not been reported in the literature in individuals affected with GATM-related conditions. ClinVar contains an entry for this variant (Variation ID: 1476548). Invitae Evidence Modeling of protein sequence and biophysical properties (such as structural, functional, and spatial information, amino acid conservation, physicochemical variation, residue mobility, and thermodynamic stability) has been performed for this missense variant. However, the output from this modeling did not meet the statistical confidence thresholds required to predict the impact of this variant on GATM protein function. In summary, the available evidence is currently insufficient to determine the role of this variant in disease. Therefore, it has been classified as a Variant of Uncertain Significance.

Fulgent Genetics
Classification: Uncertain significance for Fanconi renotubular syndrome 1; Arginine:glycine amidinotransferase deficiency. Last evaluated: 2024-04-14. Review status: criteria provided, single submitter. Criteria: ACMG Guidelines, 2015. Collection method: clinical testing. Allele origin: germline.